The following is an entry in ClinVar:

ClinVar aggregate classification (germline): Likely benign (1 of 4 stars; one submission).

Conditions:
PRKCB-related disorder. Also called: PRKCB-related condition.

gnomAD v4.1: 1,491 of 1,614,000 alleles (0.092%); highest among the groups gnomAD compares: Non-Finnish European, 0.11%; 3 homozygotes.

Submission:

PreventionGenetics, part of Exact Sciences
Classification: Likely benign for PRKCB-related condition. Last evaluated: 2025-11-11. Review status: criteria provided, single submitter. Criteria: ACMG Guidelines, 2015. Collection method: clinical testing. Allele origin: germline.
Comment: This variant is classified as likely benign based on ACMG/AMP sequence variant interpretation guidelines (Richards et al. 2015 PMID: 25741868, with internal and published modifications).

NM_002738.7(PRKCB):c.1763C>A (p.Pro588His)

Gene: PRKCB (protein kinase C beta; plus strand). Cytogenetic location: 16p12.2.
Variant type: single nucleotide variant.
Coding change: c.1763C>A on transcript NM_002738.7 (MANE Select); coding-DNA position 1763, C replaced by A.
Protein change: p.Pro588His; replaces proline 588 with histidine.
Molecular consequence: missense variant.
Genome position (GRCh38, 1-based): chr16:24,191,130, C>A. VCF-style: chr16-24191130-C-A. GRCh37 (hg19) VCF-style: chr16-24202451-C-A.
Other names: c.1763C>A, p.Pro588His (NM_212535.3); short protein forms P588H.
Identifiers: ClinVar variation 4986831 (VCV004986831.1).